The following is an entry in ClinVar:

ClinVar aggregate classification (germline): Benign/Likely benign. Review status: criteria provided, multiple submitters, no conflicts (2 of 4 stars). 5 submissions from 5 submitters: Benign (3); Likely benign (2). Last evaluated 2026-04-01.

Allele frequency attached by ClinVar (database versions not stated): 1000 Genomes Project 0.00060; 1000 Genomes Project 30x 0.00078; ESP Exome Variant Server 0.00247; TOPMed 0.00288; gnomAD 0.00325 and 0.00358; gnomAD exomes 0.00376; ExAC 0.00434.
gnomAD v4.1: 5,742 of 1,613,078 alleles (0.36%); highest among the groups gnomAD compares: Non-Finnish European, 0.39%; 28 homozygotes.

Submissions (5):

CeGaT Center for Human Genetics Tuebingen
Classification: Likely benign. Last evaluated: 2026-04-01. Review status: criteria provided, single submitter. Criteria: CeGaT Center For Human Genetics Tuebingen Variant Classification Criteria Version 2. Collection method: clinical testing. Allele origin: germline. Affected: yes. Observed: 14 variant alleles.
Comment: COQ8B: BP4, BP7, BS2

Labcorp Genetics (formerly Invitae), Labcorp
Classification: Benign. Last evaluated: 2026-01-15. Review status: criteria provided, single submitter. Criteria: Invitae Variant Classification Sherloc (09022015). Collection method: clinical testing. Allele origin: germline.

Mayo Clinic Laboratories, Mayo Clinic
Classification: Benign. Last evaluated: 2024-12-06. Review status: criteria provided, single submitter. Criteria: ACMG Guidelines, 2015. Collection method: clinical testing. Allele origin: germline. Observed: 6 variant alleles.
Comment: BS1, BS2, BP4, BP7

Blueprint Genetics
Classification: Likely benign. Last evaluated: 2024-11-21. Review status: criteria provided, single submitter. Criteria: ACMG Guidelines, 2015. Collection method: clinical testing. Allele origin: germline.

GeneDx
Classification: Benign. Last evaluated: 2018-01-22. Review status: criteria provided, single submitter. Criteria: GeneDx Variant Classification (06012015). Collection method: clinical testing. Allele origin: germline. Affected: yes.
Comment: This variant is considered likely benign or benign based on one or more of the following criteria: it is a conservative change, it occurs at a poorly conserved position in the protein, it is predicted to be benign by multiple in silico algorithms, and/or has population frequency not consistent with disease.

NM_024876.4(COQ8B):c.1305C>T (p.Ser435=)

Gene: COQ8B (coenzyme Q8B; minus strand). Cytogenetic location: 19q13.2.
Variant type: single nucleotide variant.
Coding change: c.1305C>T on transcript NM_024876.4 (MANE Select); coding-DNA position 1305, C replaced by T.
Protein change: p.Ser435=; no amino-acid change (serine 435 retained).
Molecular consequence: synonymous variant.
Genome position (GRCh38, 1-based): chr19:40,692,365, G>A on the plus strand (C>T on the coding strand, the complement: COQ8B is on the minus strand). VCF-style: chr19-40692365-G-A. GRCh37 (hg19) VCF-style: chr19-41198270-G-A.
Other names: p.Ser435=; c.1182C>T, p.Ser394= (NM_001142555.3).
Identifiers: ClinVar variation 381873 (VCV000381873.54), dbSNP rs139130454, ClinGen allele CA9450040.
Genomic context (GRCh38, chr19:40,692,365, plus strand): 5'-ATAAGGGCCCTGGGTGGCGAAAGGCTCCCCCAGGATCATCACTGCCTCCACGTGGGCGTC[G>A]GAGAATGCCTGGGAGTGGGGGTGGGGGGAGAGCAAAGGCAGCCAGTGTGGACATAGAGCC-3'
Protein context (NP_079152.3, residues 425-445): FLTGFETKAF[Ser435=]DAHVEAVMIL